The following is an entry in ClinVar:

NM_000222.3(KIT):c.590C>T (p.Ser197Leu)

Gene: KIT (KIT proto-oncogene, receptor tyrosine kinase; plus strand). Cytogenetic location: 4q12.
Variant type: single nucleotide variant.
Coding change: c.590C>T on transcript NM_000222.3 (MANE Select); coding-DNA position 590, C replaced by T.
Protein change: p.Ser197Leu; replaces serine 197 with leucine.
Molecular consequence: missense variant.
Genome position (GRCh38, 1-based): chr4:54,698,536, C>T. VCF-style: chr4-54698536-C-T. GRCh37 (hg19) VCF-style: chr4-55564702-C-T.
Other names: c.590C>T, p.Ser197Leu (NM_001093772.2, NM_001385284.1, NM_001385285.1 and 4 more transcripts); short protein forms S197L.
Identifiers: ClinVar variation 1694457 (VCV001694457.2), dbSNP rs2109674601, ClinGen allele CA356898064.
Genomic context (GRCh38, chr4:54,698,536, plus strand): 5'-GCGCCTACCATCGGCTCTGTCTGCATTGTTCTGTGGACCAGGAGGGCAAGTCAGTGCTGT[C>T]GGAAAAATTCATCCTGAAAGTGAGGCCAGGTACTGGCTCTTTCTTATCTGCCTCTGGGAG-3'
Protein context (NP_000213.1, residues 187-207): SVDQEGKSVL[Ser197Leu]EKFILKVRPA

ClinVar aggregate classification (germline): Conflicting classifications of pathogenicity. Review status: criteria provided, conflicting classifications (1 of 4 stars). 2 submissions from 2 submitters: Likely pathogenic (1); Uncertain significance (1). Last evaluated 2023-07-24.

Conditions:
Cutaneous mastocytosis. Also called: MASTOCYTOSIS, MACULOPAPULAR CUTANEOUS. Identifiers: Orphanet 66646, MedGen C1136033, MONDO:0019023, OMIM 154800, HP:0200151.
Piebaldism. Also called: Piebald skin depigmentation. Identifiers: Orphanet 2884, MedGen C0080024, MONDO:0008244, OMIM 172800, HP:0007544.
Gastrointestinal stromal tumor. Also called: Gastrointestinal stroma tumor; Gastrointestinal stromal tumor, somatic. Identifiers: Orphanet 44890, MedGen C0238198, MeSH D046152, MONDO:0011719, OMIM 606764, HP:0100723.

Submissions (2):

GeneDx
Classification: Uncertain significance. Last evaluated: 2023-07-24. Review status: criteria provided, single submitter. Criteria: GeneDx Variant Classification Process June 2021. Collection method: clinical testing. Allele origin: germline. Affected: yes.
Comment: Not observed at significant frequency in large population cohorts (gnomAD); In silico analysis supports that this missense variant has a deleterious effect on protein structure/function; Has not been previously published as pathogenic or benign to our knowledge

Suma Genomics
Classification: Likely pathogenic for Gastrointestinal stromal tumor; Cutaneous mastocytosis; Piebaldism. Review status: criteria provided, single submitter. Criteria: ACMG Guidelines, 2015. Collection method: clinical testing. Allele origin: de novo. Inheritance: Autosomal dominant inheritance. Affected: yes.